The following is an entry in ClinVar:

ClinVar aggregate classification (germline): Uncertain significance. Review status: criteria provided, multiple submitters, no conflicts (2 of 4 stars). 2 submissions from 2 submitters: Uncertain significance (2). Last evaluated 2025-12-22.

Allele frequency attached by ClinVar (database versions not stated): gnomAD exomes below 0.00001; gnomAD 0.00001; TOPMed 0.00009.
gnomAD v4.1: 3 of 1,614,004 alleles (0.00019%); highest among the groups gnomAD compares: African/African-American, 0.0027%; no homozygotes.

Submissions (2):

Labcorp Genetics (formerly Invitae), Labcorp
Classification: Uncertain significance. Last evaluated: 2025-12-22. Review status: criteria provided, single submitter. Criteria: Invitae Variant Classification Sherloc (09022015). Collection method: clinical testing. Allele origin: germline.
Comment: This sequence change replaces aspartic acid, which is acidic and polar, with histidine, which is basic and polar, at codon 808 of the VCAN protein (p.Asp808His). This variant is not present in population databases (gnomAD no frequency). This missense change has been observed in individual(s) with retinitis pigmentosa (internal data). ClinVar contains an entry for this variant (Variation ID: 1435114). An algorithm developed to predict the effect of missense changes on protein structure and function (PolyPhen-2) suggests that this variant is likely to be disruptive. In summary, the available evidence is currently insufficient to determine the role of this variant in disease. Therefore, it has been classified as a Variant of Uncertain Significance.

Blueprint Genetics
Classification: Uncertain significance. Last evaluated: 2019-10-08. Review status: criteria provided, single submitter. Criteria: ACMG Guidelines, 2015. Collection method: clinical testing. Allele origin: germline.

NM_004385.5(VCAN):c.2422G>C (p.Asp808His)

Gene: VCAN (versican; plus strand). Cytogenetic location: 5q14.3.
Variant type: single nucleotide variant.
Coding change: c.2422G>C on transcript NM_004385.5 (MANE Select); coding-DNA position 2422, G replaced by C.
Protein change: p.Asp808His; replaces aspartic acid 808 with histidine.
Molecular consequence: missense variant. On other transcripts: intron variant (2).
Genome position (GRCh38, 1-based): chr5:83,520,728, G>C. VCF-style: chr5-83520728-G-C. GRCh37 (hg19) VCF-style: chr5-82816547-G-C.
Other names: c.2422G>C, p.Asp808His (NM_001164098.2); c.1042+8332G>C (NM_001164097.2, NM_001126336.3); short protein forms D808H.
Identifiers: ClinVar variation 1435114 (VCV001435114.7), dbSNP rs889940727, ClinGen allele CA121792246.